The following is an entry in ClinVar:

ClinVar aggregate classification (germline): Uncertain significance (1 of 4 stars; one submission).

Conditions:
Hypertrophic cardiomyopathy. Also called: HYPERTROPHIC MYOCARDIOPATHY. Identifiers: Orphanet 217569, MedGen C0007194, MeSH D002312, MONDO:0005045, HP:0001639.

Allele frequency attached by ClinVar (database versions not stated): gnomAD exomes below 0.00001.
gnomAD v4.1: 1 of 1,610,698 alleles (0.000062%); highest among the groups gnomAD compares: Non-Finnish European, 0.000085%; no homozygotes.

Submission:

Labcorp Genetics (formerly Invitae), Labcorp
Classification: Uncertain significance for Hypertrophic cardiomyopathy. Last evaluated: 2022-07-26. Review status: criteria provided, single submitter. Criteria: Invitae Variant Classification Sherloc (09022015). Collection method: clinical testing. Allele origin: germline.
Comment: In summary, the available evidence is currently insufficient to determine the role of this variant in disease. Therefore, it has been classified as a Variant of Uncertain Significance. This variant disrupts the p.Val1125 amino acid residue in MYBPC3. Other variant(s) that disrupt this residue have been determined to be pathogenic (PMID: 28356264, 29493010, 33782553; Invitae). This suggests that this residue is clinically significant, and that variants that disrupt this residue are likely to be disease-causing. Algorithms developed to predict the effect of missense changes on protein structure and function (SIFT, PolyPhen-2, Align-GVGD) all suggest that this variant is likely to be disruptive. ClinVar contains an entry for this variant (Variation ID: 1024304). This variant has not been reported in the literature in individuals affected with MYBPC3-related conditions. This variant is not present in population databases (gnomAD no frequency). This sequence change replaces valine, which is neutral and non-polar, with alanine, which is neutral and non-polar, at codon 1125 of the MYBPC3 protein (p.Val1125Ala).

Literature cited by the submitters: PubMed 28356264; PubMed 29493010; PubMed 33782553.

NM_000256.3(MYBPC3):c.3374T>C (p.Val1125Ala)

Gene: MYBPC3 (myosin binding protein C3; minus strand). Cytogenetic location: 11p11.2.
Variant type: single nucleotide variant.
Coding change: c.3374T>C on transcript NM_000256.3 (MANE Select); coding-DNA position 3374, T replaced by C.
Protein change: p.Val1125Ala; replaces valine 1125 with alanine.
Molecular consequence: missense variant.
Genome position (GRCh38, 1-based): chr11:47,332,930, A>G on the plus strand (T>C on the coding strand, the complement: MYBPC3 is on the minus strand). VCF-style: chr11-47332930-A-G. GRCh37 (hg19) VCF-style: chr11-47354481-A-G.
Other names: short protein forms V1125A.
Identifiers: ClinVar variation 1024304 (VCV001024304.8), dbSNP rs2095878656, ClinGen allele CA380313736.
Genomic context (GRCh38, chr11:47,332,930, plus strand): 5'-ACCATATTCTGGCTGAAGACGCGGAAGTAGTAGCCATTGCCAATGATGAGCTCTGGCACC[A>G]CGCAGTGGGTGCGGCGGTAATGCTCCAAGACGGTGAACCACTCCTGGGGGCAGGGAGGGA-3'
Protein context (NP_000247.2, residues 1115-1135): VLEHYRRTHC[Val1125Ala]VPELIIGNGY